The following is an entry in ClinVar:

ClinVar aggregate classification (germline): Uncertain significance (1 of 4 stars; one submission).

Conditions:
Tay-Sachs disease, variant AB. Also called: Gm2-gangliosidosis, ab variant; GM2 Activator Deficiency. Identifiers: Orphanet 309246, MedGen C0268275, MONDO:0010099, OMIM 272750.

Submission:

Labcorp Genetics (formerly Invitae), Labcorp
Classification: Uncertain significance for Tay-Sachs disease, variant AB. Last evaluated: 2022-03-16. Review status: criteria provided, single submitter. Criteria: Invitae Variant Classification Sherloc (09022015). Collection method: clinical testing. Allele origin: germline.
Comment: In summary, the available evidence is currently insufficient to determine the role of this variant in disease. Therefore, it has been classified as a Variant of Uncertain Significance. This variant has not been reported in the literature in individuals affected with GM2A-related conditions. A copy number gain of the genomic region encompassing the full coding sequence of the GM2A gene has been identified. The boundaries of this event are unknown as they extend beyond the assayed region for this gene and therefore may encompass additional genes. As the precise location of this event is unknown, it may be in tandem or it may be located elsewhere in the genome.

NC_000005.9:g.(?_150632778)_(150727021_?)dup

Genes: GM2A (ganglioside GM2 activator; plus strand), SLC36A2 (solute carrier family 36 member 2; minus strand), SLC36A3 (solute carrier family 36 member 3; minus strand). Cytogenetic location: 5q33.1.
Variant type: Duplication.
Identifiers: ClinVar variation 2423036 (VCV002423036.4).